The following is an entry in ClinVar:

ClinVar aggregate classification (germline): Uncertain significance (1 of 4 stars; one submission).

Conditions:
Hereditary cancer-predisposing syndrome. Also called: Hereditary Cancer Syndrome; Tumor predisposition; Hereditary neoplastic syndrome; Neoplastic Syndromes, Hereditary. Identifiers: Orphanet 140162, MedGen C0027672, MeSH D009386, MONDO:0015356.

Submission:

Hereditary Cancer Group, L’Institut d'Investigació Biomèdica de Bellvitge
Classification: Uncertain significance for Hereditary cancer-predisposing syndrome. Last evaluated: 2024-12-19. Review status: criteria provided, single submitter. Criteria: Hatton et al. (Hum Mutat. 2023). Collection method: clinical testing. Allele origin: germline. Inheritance: Autosomal dominant inheritance. Affected: yes.
Comment: PM2_supporting

NM_177438.3(DICER1):c.797T>C (p.Leu266Pro)

Gene: DICER1 (dicer 1, ribonuclease III; minus strand). Cytogenetic location: 14q32.13.
Variant type: single nucleotide variant.
Coding change: c.797T>C on transcript NM_177438.3 (MANE Select); coding-DNA position 797, T replaced by C.
Protein change: p.Leu266Pro; replaces leucine 266 with proline.
Molecular consequence: missense variant. On other transcripts: 5 prime UTR variant (1), non-coding transcript variant (6).
Genome position (GRCh38, 1-based): chr14:95,126,686, A>G on the plus strand (T>C on the coding strand, the complement: DICER1 is on the minus strand). VCF-style: chr14-95126686-A-G. GRCh37 (hg19) VCF-style: chr14-95593023-A-G.
Other names: c.797T>C, p.Leu266Pro (NM_001195573.1, NM_001271282.3, NM_001291628.2 and 14 more transcripts); c.515T>C, p.Leu172Pro (NM_001395686.1); c.392T>C, p.Leu131Pro (NM_001395687.1, NM_001395688.1, NM_001395689.1 and 3 more transcripts); c.230T>C, p.Leu77Pro (NM_001395691.1); c.-772T>C (NM_001395697.1); short protein forms L131P, L172P, L266P, L77P.
Identifiers: ClinVar variation 3393359 (VCV003393359.1).